The following is an entry in ClinVar:

ClinVar aggregate classification (germline): Uncertain significance (1 of 4 stars; one submission).

Conditions:
Inborn genetic diseases. Identifiers: MedGen C0950123, MeSH D030342.

gnomAD v4.1: 1 of 1,613,354 alleles (0.000062%); highest among the groups gnomAD compares: African/African-American, 0.0013%; no homozygotes.

Submission:

Ambry Genetics
Classification: Uncertain significance for Inborn genetic diseases. Last evaluated: 2026-05-23. Review status: criteria provided, single submitter. Criteria: Ambry Variant Classification Scheme 2023. Collection method: clinical testing. Allele origin: germline.
Comment: The p.A154V variant (also known as c.461C>T), located in coding exon 4 of the BMPR2 gene, results from a C to T substitution at nucleotide position 461. The alanine at codon 154 is replaced by valine, an amino acid with similar properties. This amino acid position is conserved. In addition, this alteration is predicted to be tolerated by in silico analysis. Based on the available evidence, the clinical significance of this variant remains unclear.

NM_001204.7(BMPR2):c.461C>T (p.Ala154Val)

Gene: BMPR2 (bone morphogenetic protein receptor type 2; plus strand). Cytogenetic location: 2q33.2.
Variant type: single nucleotide variant.
Coding change: c.461C>T on transcript NM_001204.7 (MANE Select); coding-DNA position 461, C replaced by T.
Protein change: p.Ala154Val; replaces alanine 154 with valine.
Molecular consequence: missense variant.
Genome position (GRCh38, 1-based): chr2:202,513,761, C>T. VCF-style: chr2-202513761-C-T. GRCh37 (hg19) VCF-style: chr2-203378484-C-T.
Other names: short protein forms A154V.
Identifiers: ClinVar variation 4867640 (VCV004867640.1).
Genomic context (GRCh38, chr2:202,513,761, plus strand): 5'-AAATTTGTTTTCTTTTAGGTCCACCTCATTCATTTAACCGAGATGAGACAATAATCATTG[C>T]TTTGGCATCAGTCTCTGTATTAGCTGTTTTGATAGTTGCCTTATGCTTTGGATACAGAAT-3'
Protein context (NP_001195.2, residues 144-164): SFNRDETIII[Ala154Val]LASVSVLAVL